The following is an entry in ClinVar:

ClinVar aggregate classification (germline): Likely benign. Review status: criteria provided, single submitter (1 of 4 stars). 2 submissions from 2 submitters: Likely benign (1). 1 of the submissions does not count toward it. Last evaluated 2025-06-11.

Conditions:
Carnitine palmitoyl transferase 1A deficiency. Also called: CPT deficiency, hepatic, type IA; Carnitine palmitoyltransferase 1A deficiency; CPT I DEFICIENCY; CPT DEFICIENCY, HEPATIC, TYPE I; Carnitine palmitoyltransferase type I deficiency. Identifiers: Orphanet 156, MedGen C1829703, MONDO:0009705, OMIM 255120.
CPT1A-related disorder. Also called: CPT1A-related condition.

Allele frequency attached by ClinVar (database versions not stated): gnomAD 0.00001; TOPMed 0.00001; ExAC 0.00002; gnomAD exomes 0.00002.
gnomAD v4.1: 26 of 1,613,982 alleles (0.0016%); highest among the groups gnomAD compares: East Asian, 0.0045%; no homozygotes.

Submissions (2):

Labcorp Genetics (formerly Invitae), Labcorp
Classification: Likely benign for Carnitine palmitoyl transferase 1A deficiency. Last evaluated: 2025-06-11. Review status: criteria provided, single submitter. Criteria: Invitae Variant Classification Sherloc (09022015). Collection method: clinical testing. Allele origin: germline.

PreventionGenetics, part of Exact Sciences
Classification: Likely benign for CPT1A-related condition. Last evaluated: 2021-11-18. Review status: no assertion criteria provided. Collection method: clinical testing. Allele origin: germline. Not counted in ClinVar's aggregate classification.
Comment: This variant is classified as likely benign based on ACMG/AMP sequence variant interpretation guidelines (Richards et al. 2015 PMID: 25741868, with internal and published modifications).

NM_001876.4(CPT1A):c.1767C>T (p.Tyr589=)

Gene: CPT1A (carnitine palmitoyltransferase 1A; minus strand). Cytogenetic location: 11q13.3.
Variant type: single nucleotide variant.
Coding change: c.1767C>T on transcript NM_001876.4 (MANE Select); coding-DNA position 1767, C replaced by T.
Protein change: p.Tyr589=; no amino-acid change (tyrosine 589 retained).
Molecular consequence: synonymous variant.
Genome position (GRCh38, 1-based): chr11:68,762,735, G>A on the plus strand (C>T on the coding strand, the complement: CPT1A is on the minus strand). VCF-style: chr11-68762735-G-A. GRCh37 (hg19) VCF-style: chr11-68530203-G-A.
Other names: c.1767C>T, p.Tyr589= (NM_001031847.3); c.1767C>T (NM_001876.3).
Identifiers: ClinVar variation 1119000 (VCV001119000.11), dbSNP rs762044597, ClinGen allele CA6152203.
Genomic context (GRCh38, chr11:68,762,735, plus strand): 5'-GGTGCAGGAGCGCACGGTCTCCGTCCTCCCCTCTCGGAAGAGCCGGGTCATGGAGGCCTC[G>A]TATGTGAGGCAAAACTTGCCCATGTCCTGGGGAAAGAGAAGTACTTCAGTGCACGGCAGG-3'
Protein context (NP_001867.2, residues 579-599): YKDMGKFCLT[Tyr589=]EASMTRLFRE